The following is an entry in ClinVar:

ClinVar aggregate classification (germline): Uncertain significance (1 of 4 stars; one submission).

Conditions:
Hereditary cancer-predisposing syndrome. Also called: Neoplastic Syndromes, Hereditary; Tumor predisposition; Hereditary Cancer Syndrome; Hereditary neoplastic syndrome. Identifiers: Orphanet 140162, MedGen C0027672, MeSH D009386, MONDO:0015356.

Submission:

Ambry Genetics
Classification: Uncertain significance for Hereditary cancer-predisposing syndrome. Last evaluated: 2014-11-17. Review status: criteria provided, single submitter. Criteria: Ambry Variant Classification Scheme 2023. Collection method: clinical testing. Allele origin: germline.
Comment: The p.E221G variant (also known as c.662A>G), located in coding exon 4 of the BARD1 gene, results from an A to G substitution at nucleotide position 662. The glutamic acid at codon 221 is replaced by glycine, an amino acid with similar properties. This variant was not reported in population based cohorts in the following databases: Database of Single Nucleotide Polymorphisms (dbSNP), NHLBI Exome Sequencing Project (ESP), and 1000 Genomes Project. In the ESP, this variant was not observed in 6502 samples (13004 alleles) with coverage at this position. To date, this alteration has been detected with an allele frequency of approximately 0.005% (greater than 22000 alleles tested) in our clinical cohort. This amino acid position is not well conserved in available vertebrate species. In addition, this alteration is predicted to be tolerated by in silico analysis. Since supporting evidence is limited at this time, the clinical significance of p.E221G remains unclear.

NM_000465.4(BARD1):c.662A>G (p.Glu221Gly)

Gene: BARD1 (BRCA1 associated RING domain 1; minus strand). Cytogenetic location: 2q35.
Variant type: single nucleotide variant.
Coding change: c.662A>G on transcript NM_000465.4 (MANE Select); coding-DNA position 662, A replaced by G.
Protein change: p.Glu221Gly; replaces glutamic acid 221 with glycine.
Molecular consequence: missense variant. On other transcripts: non-coding transcript variant (2), intron variant (3).
Genome position (GRCh38, 1-based): chr2:214,781,212, T>C on the plus strand (A>G on the coding strand, the complement: BARD1 is on the minus strand). VCF-style: chr2-214781212-T-C. GRCh37 (hg19) VCF-style: chr2-215645936-T-C.
Other names: c.605A>G, p.Glu202Gly (NM_001282543.2); c.158+28200A>G (NM_001282548.2); c.215+15849A>G (NM_001282545.2); c.364+11085A>G (NM_001282549.2); short protein forms E221G, E202G.
Identifiers: ClinVar variation 186995 (VCV000186995.5), dbSNP rs786203387, ClinGen allele CA196424.